The following is an entry in ClinVar:

ClinVar aggregate classification (germline): Uncertain significance (1 of 4 stars; one submission).

Conditions:
Cardiomyopathy (CMYO). Also called: Cardiomyopathies. Identifiers: Orphanet 167848, MedGen C0878544, MONDO:0004994, HP:0001638. Inheritance: Various modes of inheritance.

Submission:

Color Diagnostics, LLC DBA Color Health
Classification: Uncertain significance for Cardiomyopathy. Last evaluated: 2025-09-18. Review status: criteria provided, single submitter. Criteria: ACMG Guidelines, 2015. Collection method: clinical testing. Allele origin: germline.
Comment: This missense variant replaces glutamic acid with glutamine at codon 1148 of the MYH7 protein. Computational prediction is inconclusive regarding the impact of this variant on protein structure and function. To our knowledge, functional studies have not been reported for this variant. This variant has not been reported in individuals affected with MYH7-related disorders in the literature. This variant has been identified in 1/236782 chromosomes in the general population by the Genome Aggregation Database (gnomAD). The available evidence is insufficient to determine the role of this variant in disease conclusively. Therefore, this variant is classified as a Variant of Uncertain Significance.

NM_000257.4(MYH7):c.3442G>C (p.Glu1148Gln)

Gene: MYH7 (myosin heavy chain 7; minus strand). Cytogenetic location: 14q11.2.
Variant type: single nucleotide variant.
Coding change: c.3442G>C on transcript NM_000257.4 (MANE Select); coding-DNA position 3442, G replaced by C.
Protein change: p.Glu1148Gln; replaces glutamic acid 1148 with glutamine.
Molecular consequence: missense variant.
Genome position (GRCh38, 1-based): chr14:23,420,129, C>G on the plus strand (G>C on the coding strand, the complement: MYH7 is on the minus strand). VCF-style: chr14-23420129-C-G. GRCh37 (hg19) VCF-style: chr14-23889338-C-G.
Other names: c.3442G>C, p.Glu1148Gln (NM_001407004.1); short protein forms E1148Q.
Identifiers: ClinVar variation 4756377 (VCV004756377.1).
Genomic context (GRCh38, chr14:23,420,129, plus strand): 5'-CGCGCTTCTTGTTCATCTCGATCTGCACGGACGTGGCCCCGCCGGCCTCTTCCAGCCGCT[C>G]GCTGATCTCCTCCAGCTCCCGAGACAGGTCTGAGCGCAGCTTCTCCACCTTAGCCCTGGC-3'
Protein context (NP_000248.2, residues 1138-1158): DLSRELEEIS[Glu1148Gln]RLEEAGGATS